The following is an entry in ClinVar:

NM_001873.4(CPE):c.881A>G (p.Asp294Gly)

Gene: CPE (carboxypeptidase E; plus strand). Cytogenetic location: 4q32.3.
Variant type: single nucleotide variant.
Coding change: c.881A>G on transcript NM_001873.4 (MANE Select); coding-DNA position 881, A replaced by G.
Protein change: p.Asp294Gly; replaces aspartic acid 294 with glycine.
Molecular consequence: missense variant.
Genome position (GRCh38, 1-based): chr4:165,484,512, A>G. VCF-style: chr4-165484512-A-G. GRCh37 (hg19) VCF-style: chr4-166405664-A-G.
Other names: short protein forms D294G.
Identifiers: ClinVar variation 2636600 (VCV002636600.3), dbSNP rs765113959, ClinGen allele CA3130309.

ClinVar aggregate classification (germline): Uncertain significance (1 of 4 stars; one submission).

Conditions:
CPE-related disorder. Also called: CPE-related condition.

Allele frequency attached by ClinVar (database versions not stated): TOPMed 0.00001; gnomAD exomes 0.00003; ExAC 0.00007.
gnomAD v4.1: 17 of 1,614,042 alleles (0.0011%); highest among the groups gnomAD compares: Admixed American, 0.028%; no homozygotes.

Submission:

PreventionGenetics, part of Exact Sciences
Classification: Uncertain significance for CPE-related condition. Last evaluated: 2026-05-21. Review status: criteria provided, single submitter. Criteria: ACMG Guidelines, 2015. Collection method: clinical testing. Allele origin: germline.
Comment: The CPE c.881A>G variant is predicted to result in the amino acid substitution p.Asp294Gly. To our knowledge, this variant has not been reported in the literature. This variant is reported in 0.049% of alleles in individuals of Latino descent in gnomAD. At this time, the clinical significance of this variant is uncertain due to the absence of conclusive functional and genetic evidence.